The following is an entry in ClinVar:

ClinVar aggregate classification (germline): Likely benign. Review status: criteria provided, single submitter (1 of 4 stars). 2 submissions from 2 submitters: Likely benign (1). 1 of the submissions does not count toward it. Last evaluated 2023-10-28.

Conditions:
NSMCE3-related disorder. Also called: NSMCE3-related condition.

Allele frequency attached by ClinVar (database versions not stated): gnomAD 0.00001; TOPMed 0.00001; ExAC 0.00002.
gnomAD v4.1: 10 of 1,585,078 alleles (0.00063%); highest among the groups gnomAD compares: Admixed American, 0.0053%; no homozygotes.

Submissions (2):

Labcorp Genetics (formerly Invitae), Labcorp
Classification: Likely benign. Last evaluated: 2023-10-28. Review status: criteria provided, single submitter. Criteria: Invitae Variant Classification Sherloc (09022015). Collection method: clinical testing. Allele origin: germline.

PreventionGenetics, part of Exact Sciences
Classification: Likely benign for NSMCE3-related condition. Last evaluated: 2020-02-11. Review status: no assertion criteria provided. Collection method: clinical testing. Allele origin: germline. Not counted in ClinVar's aggregate classification.
Comment: This variant is classified as likely benign based on ACMG/AMP sequence variant interpretation guidelines (Richards et al. 2015 PMID: 25741868, with internal and published modifications).

NM_138704.4(NSMCE3):c.189C>T (p.Pro63=)

Genes: ENTREP2 (endosomal transmembrane epsin interactor 2; minus strand), NSMCE3 (NSE3 component of SMC5/6 complex; minus strand). Cytogenetic location: 15q13.1.
Variant type: single nucleotide variant.
Coding change: c.189C>T on transcript NM_138704.4 (MANE Select); coding-DNA position 189, C replaced by T.
Protein change: p.Pro63=; no amino-acid change (proline 63 retained).
Molecular consequence: synonymous variant. On other transcripts: intron variant (5).
Genome position (GRCh38, 1-based): chr15:29,269,517, G>A on the plus strand (C>T on the coding strand, the complement: NSMCE3 is on the minus strand). VCF-style: chr15-29269517-G-A. GRCh37 (hg19) VCF-style: chr15-29561721-G-A.
Other names: c.-12-17039C>T (NM_001387217.1, NM_001387215.1, NM_001387216.1); c.277-17039C>T (NM_001387214.1, NM_015307.2).
Identifiers: ClinVar variation 3006495 (VCV003006495.5), dbSNP rs765426721, ClinGen allele CA7446211.